The following is an entry in ClinVar:

NM_001367624.2(ZNF469):c.4883C>T (p.Thr1628Met)

Gene: ZNF469 (zinc finger protein 469; plus strand). Cytogenetic location: 16q24.2.
Variant type: single nucleotide variant.
Coding change: c.4883C>T on transcript NM_001367624.2 (MANE Select); coding-DNA position 4883, C replaced by T.
Protein change: p.Thr1628Met; replaces threonine 1628 with methionine.
Molecular consequence: missense variant.
Genome position (GRCh38, 1-based): chr16:88,432,353, C>T. VCF-style: chr16-88432353-C-T. GRCh37 (hg19) VCF-style: chr16-88498761-C-T.
Other names: p.Thr1628Met; short protein forms T1628M.
Identifiers: ClinVar variation 1374519 (VCV001374519.4), dbSNP rs750838324, ClinGen allele CA8225018.
Genomic context (GRCh38, chr16:88,432,353, plus strand): 5'-AACGGCGCACCTGCCAGGCCACCGTGCCCCACGAGGACACGTTCTCGGCAGCTGACCTCA[C>T]GCGCGTTGGAGAATCCACTGCACATCGGGAGGGTGCGGAATCGGCTGTGGCCACCGTGGA-3'
Protein context (NP_001354553.1, residues 1618-1638): HEDTFSAADL[Thr1628Met]RVGESTAHRE

ClinVar aggregate classification (germline): Uncertain significance. Review status: criteria provided, multiple submitters, no conflicts (2 of 4 stars). 2 submissions from 2 submitters: Uncertain significance (2). Last evaluated 2023-03-01.

Allele frequency attached by ClinVar (database versions not stated): gnomAD 0.00001; gnomAD exomes 0.00004; ExAC 0.00006.
gnomAD v4.1: 14 of 1,548,502 alleles (0.0009%); highest among the groups gnomAD compares: East Asian, 0.0049%; no homozygotes.

Submissions (2):

Mayo Clinic Laboratories, Mayo Clinic
Classification: Uncertain significance. Last evaluated: 2023-03-01. Review status: criteria provided, single submitter. Criteria: ACMG Guidelines, 2015. Collection method: clinical testing. Allele origin: germline. Observed: 1 variant allele.
Comment: BP4

Labcorp Genetics (formerly Invitae), Labcorp
Classification: Uncertain significance. Last evaluated: 2021-12-08. Review status: criteria provided, single submitter. Criteria: Invitae Variant Classification Sherloc (09022015). Collection method: clinical testing. Allele origin: germline.
Comment: This sequence change replaces threonine, which is neutral and polar, with methionine, which is neutral and non-polar, at codon 1600 of the ZNF469 protein (p.Thr1600Met). This variant is present in population databases (rs750838324, gnomAD 0.02%). This variant has not been reported in the literature in individuals affected with ZNF469-related conditions. Algorithms developed to predict the effect of missense changes on protein structure and function (SIFT, PolyPhen-2, Align-GVGD) all suggest that this variant is likely to be tolerated. In summary, the available evidence is currently insufficient to determine the role of this variant in disease. Therefore, it has been classified as a Variant of Uncertain Significance.